The following is an entry in ClinVar:

ClinVar aggregate classification (germline): Benign/Likely benign. Review status: criteria provided, multiple submitters, no conflicts (2 of 4 stars). 8 submissions from 8 submitters: Benign (2); Likely benign (6). Last evaluated 2025-12-15.

Conditions:
Lymphangiomyomatosis (LAM). Also called: Lymphangioleiomyomatosis, somatic; Lymphangioleiomyomatosis. Identifiers: Orphanet 538, MedGen C0751674, MONDO:0011705, OMIM 606690.
Isolated focal cortical dysplasia type II (FCORD2). Also called: CORTICAL DYSPLASIA OF TAYLOR; Focal cortical dysplasia type II. Identifiers: Orphanet 268994, MedGen C1846385, MONDO:0011818, OMIM 607341, HP:0032051.
Tuberous sclerosis 2 (TSC2). Identifiers: Orphanet 805, MedGen C1860707, MONDO:0013199, OMIM 613254.
Hereditary cancer-predisposing syndrome. Also called: Tumor predisposition; Hereditary neoplastic syndrome; Hereditary Cancer Syndrome; Neoplastic Syndromes, Hereditary. Identifiers: Orphanet 140162, MedGen C0027672, MeSH D009386, MONDO:0015356.
Tuberous sclerosis syndrome (TSC). Also called: Tuberous Sclerosis Complex; Tuberous sclerosis. Identifiers: Orphanet 805, MedGen C0041341, MONDO:0001734.

Allele frequency attached by ClinVar (database versions not stated): gnomAD 0.00003; TOPMed 0.00002.
gnomAD v4.1: 19 of 1,611,354 alleles (0.0012%); highest among the groups gnomAD compares: East Asian, 0.0022%; no homozygotes.

Submissions (8):

Labcorp Genetics (formerly Invitae), Labcorp
Classification: Likely benign for Tuberous sclerosis 2. Last evaluated: 2025-12-15. Review status: criteria provided, single submitter. Criteria: Invitae Variant Classification Sherloc (09022015). Collection method: clinical testing. Allele origin: germline.

Myriad Genetics, Inc.
Classification: Benign for Tuberous sclerosis 2. Last evaluated: 2025-06-03. Review status: criteria provided, single submitter. Criteria: Myriad Autosomal Dominant, Autosomal Recessive and X-Linked Classification Criteria (2023). Collection method: clinical testing. Allele origin: unknown.
Comment: This variant is considered benign. This variant is a silent/synonymous amino acid change and it is not expected to impact splicing.

CeGaT Center for Human Genetics Tuebingen
Classification: Likely benign. Last evaluated: 2024-12-01. Review status: criteria provided, single submitter. Criteria: CeGaT Center For Human Genetics Tuebingen Variant Classification Criteria Version 2. Collection method: clinical testing. Allele origin: germline. Affected: yes. Observed: 1 variant allele.
Comment: TSC2: BP4, BP7

All of Us Research Program, National Institutes of Health
Classification: Likely benign for Tuberous sclerosis syndrome. Last evaluated: 2024-07-20. Review status: criteria provided, single submitter. Criteria: ACMG Guidelines, 2015. Collection method: clinical testing. Allele origin: germline. Inheritance: Autosomal dominant inheritance. Observed: 2 variant alleles, 2 heterozygotes.
Comment: This study involves interpretation of variants in research participants for the purpose of population health screening. Participant phenotype was not available at the time of variant classification. Additional details can be found in publication PMID: 35346344, PMCID: PMC8962531

Blueprint Genetics
Classification: Likely benign. Last evaluated: 2024-06-12. Review status: criteria provided, single submitter. Criteria: ACMG Guidelines, 2015. Collection method: clinical testing. Allele origin: germline.

Fulgent Genetics
Classification: Likely benign for Lymphangiomyomatosis; Isolated focal cortical dysplasia type II; Tuberous sclerosis 2. Last evaluated: 2021-11-17. Review status: criteria provided, single submitter. Criteria: ACMG Guidelines, 2015. Collection method: clinical testing. Allele origin: unknown.

Genome-Nilou Lab
Classification: Benign for Tuberous sclerosis 2. Last evaluated: 2021-11-07. Review status: criteria provided, single submitter. Criteria: ACMG Guidelines, 2015. Collection method: clinical testing. Allele origin: germline. Affected: no.

Ambry Genetics
Classification: Likely benign for Hereditary cancer-predisposing syndrome. Last evaluated: 2020-09-01. Review status: criteria provided, single submitter. Criteria: Ambry Variant Classification Scheme 2023. Collection method: clinical testing. Allele origin: germline.

NM_000548.5(TSC2):c.4194C>T (p.Leu1398=)

Gene: TSC2 (TSC complex subunit 2; plus strand). Cytogenetic location: 16p13.3.
Variant type: single nucleotide variant.
Coding change: c.4194C>T on transcript NM_000548.5 (MANE Select); coding-DNA position 4194, C replaced by T.
Protein change: p.Leu1398=; no amino-acid change (leucine 1398 retained).
Molecular consequence: synonymous variant.
Genome position (GRCh38, 1-based): chr16:2,084,416, C>T. VCF-style: chr16-2084416-C-T. GRCh37 (hg19) VCF-style: chr16-2134417-C-T.
Other names: c.3993C>T, p.Leu1331= (NM_001077183.3); c.4125C>T, p.Leu1375= (NM_001114382.3); c.3885C>T, p.Leu1295= (NM_001318827.2); c.3849C>T, p.Leu1283= (NM_001318829.2); c.3462C>T, p.Leu1154= (NM_001318831.2); c.4026C>T, p.Leu1342= (NM_001318832.2); c.3996C>T, p.Leu1332= (NM_001363528.2); c.4062C>T, p.Leu1354= (NM_001370404.1); and 1 more.
Identifiers: ClinVar variation 413710 (VCV000413710.41), dbSNP rs1060504106, ClinGen allele CA16614789.
Genomic context (GRCh38, chr16:2,084,416, plus strand): 5'-CTCGCAGCCCCTGAGCAAGTCCAGCTCCTCTCCCGAGCTGCAGACTCTGCAGGACATCCT[C>T]GGGGACCCTGGGGACAAGGCCGACGTGGGCCGGCTGAGCCCTGAGGTTAAGGCCCGGTCA-3'
Protein context (NP_000539.2, residues 1388-1408): SPELQTLQDI[Leu1398=]GDPGDKADVG